The following is an entry in ClinVar:

NM_001110556.2(FLNA):c.7929C>T (p.Arg2643=)

Genes: FLNA (filamin A; minus strand), LOC107988032 (Xq28 proximal FLNA-EMD recombination region; plus strand). Cytogenetic location: Xq28.
Variant type: single nucleotide variant.
Coding change: c.7929C>T on transcript NM_001110556.2 (MANE Select); coding-DNA position 7929, C replaced by T.
Protein change: p.Arg2643=; no amino-acid change (arginine 2643 retained).
Molecular consequence: synonymous variant.
Genome position (GRCh38, 1-based): chrX:154,348,864, G>A on the plus strand (C>T on the coding strand, the complement: FLNA is on the minus strand). VCF-style: chrX-154348864-G-A. GRCh37 (hg19) VCF-style: chrX-153577232-G-A.
Other names: p.Arg2635=; c.7905C>T, p.Arg2635= (NM_001456.4).
Identifiers: ClinVar variation 516076 (VCV000516076.11), dbSNP rs782493799, ClinGen allele CA10559806.

ClinVar aggregate classification (germline): Benign/Likely benign. Review status: criteria provided, multiple submitters, no conflicts (2 of 4 stars). 4 submissions from 4 submitters: Benign (1); Likely benign (3). Last evaluated 2025-12-03.

Conditions:
Melnick-Needles syndrome (MNS). Also called: MELNICK-NEEDLES OSTEODYSPLASTY; Melnick-Needles Syndrome (FLNA-MNS); OSTEODYSPLASTY OF MELNICK AND NEEDLES. Identifiers: Orphanet 2484, MedGen C0025237, MONDO:0010650, OMIM 309350.
Frontometaphyseal dysplasia (FMD1). Identifiers: Orphanet 1826, MedGen C0265293, MONDO:0015942.
Heterotopia, periventricular, X-linked dominant (PVNH1). Also called: PERIVENTRICULAR NODULAR HETEROTOPIA 4; HETEROTOPIA, PERIVENTRICULAR, 1; PERIVENTRICULAR NODULAR HETEROTOPIA 1; X-linked periventricular heterotopia. Identifiers: Orphanet 2149, Orphanet 82004, MedGen C1848213, MONDO:0010233, OMIM 300049.
Oto-palato-digital syndrome, type II (OPD2). Also called: Otopalatodigital Syndrome Type 2 (FLNA-OPD2); FACIOPALATOOSSEOUS SYNDROME; OPD II SYNDROME; Otopalatodigital Syndrome, Type II. Identifiers: Orphanet 669, Orphanet 90652, MedGen C1844696, MONDO:0010571, OMIM 304120.
Familial thoracic aortic aneurysm and aortic dissection (TAAD). Also called: Thoracic aortic aneurysms and dissections. Identifiers: Orphanet 91387, MedGen C4707243, MONDO:0019625.

Allele frequency attached by ClinVar (database versions not stated): gnomAD 0.00001; TOPMed 0.00001; gnomAD exomes 0.00002 and 0.00004; ExAC 0.00004.
gnomAD v4.1: 23 of 1,206,553 alleles (0.0019%); highest among the groups gnomAD compares: Admixed American, 0.013%; no homozygotes.

Submissions (4):

Labcorp Genetics (formerly Invitae), Labcorp
Classification: Likely benign for Oto-palato-digital syndrome, type II; Heterotopia, periventricular, X-linked dominant; Frontometaphyseal dysplasia; Melnick-Needles syndrome. Last evaluated: 2025-12-03. Review status: criteria provided, single submitter. Criteria: Invitae Variant Classification Sherloc (09022015). Collection method: clinical testing. Allele origin: germline.

Mayo Clinic Laboratories, Mayo Clinic
Classification: Likely benign. Last evaluated: 2025-03-19. Review status: criteria provided, single submitter. Criteria: ACMG Guidelines, 2015. Collection method: clinical testing. Allele origin: germline. Observed: 1 variant allele.
Comment: BP4, BP7

Ambry Genetics
Classification: Likely benign for Familial thoracic aortic aneurysm and aortic dissection. Last evaluated: 2023-02-27. Review status: criteria provided, single submitter. Criteria: Ambry Variant Classification Scheme 2023. Collection method: clinical testing. Allele origin: germline.

GeneDx
Classification: Benign. Last evaluated: 2017-04-05. Review status: criteria provided, single submitter. Criteria: GeneDx Variant Classification (06012015). Collection method: clinical testing. Allele origin: germline. Affected: yes.
Comment: This variant is considered likely benign or benign based on one or more of the following criteria: it is a conservative change, it occurs at a poorly conserved position in the protein, it is predicted to be benign by multiple in silico algorithms, and/or has population frequency not consistent with disease.